The following is an entry in ClinVar:

NM_020964.3(EPG5):c.1713T>A (p.Asn571Lys)

Gene: EPG5 (ectopic P-granules 5 autophagy tethering factor; minus strand). Cytogenetic location: 18q21.1.
Variant type: single nucleotide variant.
Coding change: c.1713T>A on transcript NM_020964.3 (MANE Select); coding-DNA position 1713, T replaced by A.
Protein change: p.Asn571Lys; replaces asparagine 571 with lysine.
Molecular consequence: missense variant.
Genome position (GRCh38, 1-based): chr18:45,944,084, A>T on the plus strand (T>A on the coding strand, the complement: EPG5 is on the minus strand). VCF-style: chr18-45944084-A-T. GRCh37 (hg19) VCF-style: chr18-43524050-A-T.
Other names: short protein forms N571K.
Identifiers: ClinVar variation 1052000 (VCV001052000.11), dbSNP rs1364153002, ClinGen allele CA402348749.
Genomic context (GRCh38, chr18:45,944,084, plus strand): 5'-AAGATGCTGAAAGAGTTCATGAAAGGGGAACTGTGCTAAAATGGTAACCAAATCATCTTC[A>T]TTAAGGAGAATCCAACTGGTCTCAGGGTCTTCATCCTAAGGGAAAAGACAAAAAATCATG-3'
Protein context (NP_066015.2, residues 561-581): EDPETSWILL[Asn571Lys]EDDLVTILAQ

ClinVar aggregate classification (germline): Uncertain significance (1 of 4 stars; one submission).

Conditions:
Vici syndrome (VICIS). Identifiers: Orphanet 1493, MedGen C1855772, MONDO:0009452, OMIM 242840.

Allele frequency attached by ClinVar (database versions not stated): gnomAD exomes 0.00001; TOPMed 0.00001.
gnomAD v4.1: 4 of 1,613,884 alleles (0.00025%); highest among the groups gnomAD compares: Admixed American, 0.0017%; no homozygotes.

Submission:

Labcorp Genetics (formerly Invitae), Labcorp
Classification: Uncertain significance for Vici syndrome. Last evaluated: 2024-10-28. Review status: criteria provided, single submitter. Criteria: Invitae Variant Classification Sherloc (09022015). Collection method: clinical testing. Allele origin: germline.
Comment: This sequence change replaces asparagine, which is neutral and polar, with lysine, which is basic and polar, at codon 571 of the EPG5 protein (p.Asn571Lys). This variant is present in population databases (no rsID available, gnomAD 0.006%). This variant has not been reported in the literature in individuals affected with EPG5-related conditions. ClinVar contains an entry for this variant (Variation ID: 1052000). Invitae Evidence Modeling of protein sequence and biophysical properties (such as structural, functional, and spatial information, amino acid conservation, physicochemical variation, residue mobility, and thermodynamic stability) indicates that this missense variant is not expected to disrupt EPG5 protein function with a negative predictive value of 80%. In summary, the available evidence is currently insufficient to determine the role of this variant in disease. Therefore, it has been classified as a Variant of Uncertain Significance.